The following is an entry in ClinVar:

ClinVar aggregate classification (germline): Benign/Likely benign (0 of 4 stars; one submission).

Submission:

ISCA site 4
Classification: Benign/Likely benign. Last evaluated: 2012-09-21. Review status: no assertion criteria provided. Collection method: clinical testing. Allele origin: unknown. Affected: yes. Observed: 2 variant alleles.
Comment: Likely benign (1), Benign (1)

Copy number variation identified through the course of routine clinical cytogenomic testing in postnatal populations, with clinical assertions as classified by the original submitter.

GRCh38/hg38 19q13.2-13.31(chr19:42738659-43237562)x1

Genes: PSG1 (pregnancy specific beta-1-glycoprotein 1; minus strand), PSG11 (pregnancy specific beta-1-glycoprotein 11; minus strand), PSG11-AS1 (PSG11, PSG2 and PSG5 antisense RNA 1; plus strand), PSG2 (pregnancy specific beta-1-glycoprotein 2; minus strand), PSG3 (pregnancy specific beta-1-glycoprotein 3; minus strand) and 7 more. Cytogenetic location: 19q13.2-13.31.
Variant type: copy number loss.
Change: copy number 1 (one copy instead of two) of chr19:42,738,659-43,237,562 (498.9 kb, GRCh38 coordinates, 1-based), cytogenetic band 19q13.2-13.31.
Identifiers: ClinVar variation 145511 (VCV000145511.2).